The following is an entry in ClinVar:

NM_153614.4(DNAJB13):c.19T>A (p.Ser7Thr)

Gene: DNAJB13 (DnaJ heat shock protein family (Hsp40) member B13; plus strand). Cytogenetic location: 11q13.4.
Variant type: single nucleotide variant.
Coding change: c.19T>A on transcript NM_153614.4 (MANE Select); coding-DNA position 19, T replaced by A.
Protein change: p.Ser7Thr; replaces serine 7 with threonine.
Molecular consequence: missense variant. On other transcripts: 5 prime UTR variant (1).
Genome position (GRCh38, 1-based): chr11:73,951,088, T>A. VCF-style: chr11-73951088-T-A. GRCh37 (hg19) VCF-style: chr11-73662133-T-A.
Other names: c.19T>A (NM_153614.3); c.-287T>A (NM_001377263.1); short protein forms S7T.
Identifiers: ClinVar variation 1599261 (VCV001599261.34), dbSNP rs202023755, ClinGen allele CA6180551.

ClinVar aggregate classification (germline): Conflicting classifications of pathogenicity. Review status: criteria provided, conflicting classifications (1 of 4 stars). 5 submissions from 5 submitters: Uncertain significance (1); Benign (2); Likely benign (1). 1 of the submissions does not count toward it. Last evaluated 2026-01-25.

Conditions:
DNAJB13-related disorder. Also called: DNAJB13-related condition.

Allele frequency attached by ClinVar (database versions not stated): ESP Exome Variant Server 0.00008; gnomAD 0.00016 and 0.00032; TOPMed 0.00022; 1000 Genomes Project 0.00060; 1000 Genomes Project 30x 0.00094; gnomAD exomes 0.00108; ExAC 0.00112.
gnomAD v4.1: 863 of 1,614,086 alleles (0.053%); highest among the groups gnomAD compares: South Asian, 0.62%; 7 homozygotes.

Submissions (5):

Labcorp Genetics (formerly Invitae), Labcorp
Classification: Benign. Last evaluated: 2026-01-25. Review status: criteria provided, single submitter. Criteria: Invitae Variant Classification Sherloc (09022015). Collection method: clinical testing. Allele origin: germline.

Blueprint Genetics
Classification: Uncertain significance. Last evaluated: 2024-10-17. Review status: criteria provided, single submitter. Criteria: ACMG Guidelines, 2015. Collection method: clinical testing. Allele origin: germline.

CeGaT Center for Human Genetics Tuebingen
Classification: Likely benign. Last evaluated: 2023-11-01. Review status: criteria provided, single submitter. Criteria: CeGaT Center For Human Genetics Tuebingen Variant Classification Criteria Version 2. Collection method: clinical testing. Allele origin: germline. Affected: yes. Observed: 1 variant allele.
Comment: DNAJB13: BP4, BS2

Breakthrough Genomics
Classification: Benign. Review status: criteria provided, single submitter. Criteria: ACMG Guidelines, 2015. Collection method: not provided. Allele origin: germline. Inheritance: Autosomal recessive inheritance. Affected: yes.

PreventionGenetics, part of Exact Sciences
Classification: Likely benign for DNAJB13-related condition. Last evaluated: 2019-11-14. Review status: no assertion criteria provided. Collection method: clinical testing. Allele origin: germline. Not counted in ClinVar's aggregate classification.
Comment: This variant is classified as likely benign based on ACMG/AMP sequence variant interpretation guidelines (Richards et al. 2015 PMID: 25741868, with internal and published modifications).